The following is an entry in ClinVar:

ClinVar aggregate classification (germline): Likely benign. Review status: criteria provided, single submitter (1 of 4 stars). 2 submissions from 2 submitters: Likely benign (1). 1 of the submissions does not count toward it. Last evaluated 2023-10-03.

Conditions:
ITSN2-related disorder. Also called: ITSN2-related condition.

Allele frequency attached by ClinVar (database versions not stated): gnomAD 0.00001; TOPMed 0.00001; ExAC 0.00003; gnomAD exomes 0.00005; ESP Exome Variant Server 0.00015.
gnomAD v4.1: 66 of 1,609,078 alleles (0.0041%); highest among the groups gnomAD compares: Non-Finnish European, 0.0056%; no homozygotes.

Submissions (2):

Labcorp Genetics (formerly Invitae), Labcorp
Classification: Likely benign. Last evaluated: 2023-10-03. Review status: criteria provided, single submitter. Criteria: Invitae Variant Classification Sherloc (09022015). Collection method: clinical testing. Allele origin: germline.

PreventionGenetics, part of Exact Sciences
Classification: Likely benign for ITSN2-related condition. Last evaluated: 2019-10-28. Review status: no assertion criteria provided. Collection method: clinical testing. Allele origin: germline. Not counted in ClinVar's aggregate classification.
Comment: This variant is classified as likely benign based on ACMG/AMP sequence variant interpretation guidelines (Richards et al. 2015 PMID: 25741868, with internal and published modifications).

NM_006277.3(ITSN2):c.3615A>T (p.Pro1205=)

Gene: ITSN2 (intersectin 2; minus strand). Cytogenetic location: 2p23.3.
Variant type: single nucleotide variant.
Coding change: c.3615A>T on transcript NM_006277.3 (MANE Select); coding-DNA position 3615, A replaced by T.
Protein change: p.Pro1205=; no amino-acid change (proline 1205 retained).
Molecular consequence: synonymous variant.
Genome position (GRCh38, 1-based): chr2:24,221,029, T>A on the plus strand (A>T on the coding strand, the complement: ITSN2 is on the minus strand). VCF-style: chr2-24221029-T-A. GRCh37 (hg19) VCF-style: chr2-24443898-T-A.
Other names: c.3573A>T, p.Pro1191= (NM_001348181.2); c.3495A>T, p.Pro1165= (NM_001348182.2); c.3534A>T, p.Pro1178= (NM_019595.4); c.3615A>T (NM_006277.2); c.3615A>T, p.Pro1205= (NM_147152.3).
Identifiers: ClinVar variation 3013918 (VCV003013918.5), dbSNP rs376544881, ClinGen allele CA1550867.